The following is an entry in ClinVar:

ClinVar aggregate classification (germline): Uncertain significance (1 of 4 stars; one submission).

Submission:

GeneDx
Classification: Uncertain significance. Last evaluated: 2024-03-27. Review status: criteria provided, single submitter. Criteria: GeneDx Variant Classification Process June 2021. Collection method: clinical testing. Allele origin: germline. Affected: yes.
Comment: Not observed at significant frequency in large population cohorts (gnomAD); In silico analysis supports that this missense variant has a deleterious effect on protein structure/function; Has not been previously published as pathogenic or benign to our knowledge

NM_016120.4(RLIM):c.1650A>C (p.Lys550Asn)

Gene: RLIM (ring finger protein, LIM domain interacting; minus strand). Cytogenetic location: Xq13.2.
Variant type: single nucleotide variant.
Coding change: c.1650A>C on transcript NM_016120.4 (MANE Select); coding-DNA position 1650, A replaced by C.
Protein change: p.Lys550Asn; replaces lysine 550 with asparagine.
Molecular consequence: missense variant.
Genome position (GRCh38, 1-based): chrX:74,591,665, T>G on the plus strand (A>C on the coding strand, the complement: RLIM is on the minus strand). VCF-style: chrX-74591665-T-G. GRCh37 (hg19) VCF-style: chrX-73811500-T-G.
Other names: c.1650A>C, p.Lys550Asn (NM_183353.3); short protein forms K550N.
Identifiers: ClinVar variation 3371519 (VCV003371519.1).